The following is an entry in ClinVar:

NM_001008537.3(NEXMIF):c.2240G>A (p.Ser747Asn)

Gene: NEXMIF (neurite extension and migration factor; minus strand). Cytogenetic location: Xq13.3.
Variant type: single nucleotide variant.
Coding change: c.2240G>A on transcript NM_001008537.3 (MANE Select); coding-DNA position 2240, G replaced by A.
Protein change: p.Ser747Asn; replaces serine 747 with asparagine.
Molecular consequence: missense variant.
Genome position (GRCh38, 1-based): chrX:74,742,317, C>T on the plus strand (G>A on the coding strand, the complement: NEXMIF is on the minus strand). VCF-style: chrX-74742317-C-T. GRCh37 (hg19) VCF-style: chrX-73962152-C-T.
Other names: short protein forms S747N.
Identifiers: ClinVar variation 3709106 (VCV003709106.2).
Genomic context (GRCh38, chrX:74,742,317, plus strand): 5'-GTCCCAGGAATAACTTCATTCTTTAAATTAGCCTTTGAGGATTGGTTTTCCAAGAGAGGG[C>T]TCATTTGAACAATTGGCTTGCTTTCTTGCCCAGCAGCTTTGACTTTCTTAGATTTTAACC-3'
Protein context (NP_001008537.1, residues 737-757): GQESKPIVQM[Ser747Asn]PLLENQSSKA

ClinVar aggregate classification (germline): Uncertain significance (1 of 4 stars; one submission).

gnomAD v4.1: 6 of 1,211,305 alleles (0.0005%); highest among the groups gnomAD compares: South Asian, 0.0035%; no homozygotes.

Submission:

Labcorp Genetics (formerly Invitae), Labcorp
Classification: Uncertain significance. Last evaluated: 2025-05-07. Review status: criteria provided, single submitter. Criteria: Invitae Variant Classification Sherloc (09022015). Collection method: clinical testing. Allele origin: germline.
Comment: This sequence change replaces serine, which is neutral and polar, with asparagine, which is neutral and polar, at codon 747 of the NEXMIF protein (p.Ser747Asn). This variant is present in population databases (no rsID available, gnomAD 0.008%), including at least one homozygous and/or hemizygous individual. This missense change has been observed in individual(s) with focal epilepsy (PMID: 37643945). ClinVar contains an entry for this variant (Variation ID: 3709106). An algorithm developed to predict the effect of missense changes on protein structure and function outputs the following: PolyPhen-2: "Benign". The asparagine amino acid residue is found in multiple mammalian species, which suggests that this missense change does not adversely affect protein function. In summary, the available evidence is currently insufficient to determine the role of this variant in disease. Therefore, it has been classified as a Variant of Uncertain Significance.

Literature cited by the submitters: PubMed 37643945.